The following is an entry in ClinVar:

NM_004415.4(DSP):c.4404_4410del (p.Leu1469fs)

Gene: DSP (desmoplakin; plus strand). Cytogenetic location: 6p24.3.
Variant type: Deletion.
Coding change: c.4404_4410del on transcript NM_004415.4 (MANE Select); coding-DNA positions 4404 to 4410, 7 bases deleted (TCTTGAT; older notation c.4404_4410delTCTTGAT).
Protein change: p.Leu1469fs; shifts the reading frame from leucine 1469.
Molecular consequence: frameshift variant. On other transcripts: intron variant (2).
Genome position (GRCh38, 1-based): chr6:7,580,594-7,580,600, TCTTGAT deleted. VCF-style (leftmost placement, unchanged base first): chr6-7580593-CTCTTGAT-C. GRCh37 (hg19) VCF-style: chr6-7580826-CTCTTGAT-C.
Other names: c.4050+354_4050+360del (NM_001319034.2); c.3582+822_3582+828del (NM_001008844.3); short protein forms L1469fs.
Identifiers: ClinVar variation 2574081 (VCV002574081.1), dbSNP rs2533928557, ClinGen allele CA2697546620.

ClinVar aggregate classification (germline): Likely pathogenic (0 of 4 stars; one submission).

Conditions:
Arrhythmogenic right ventricular dysplasia 8 (ARVD8). Also called: ARRHYTHMOGENIC RIGHT VENTRICULAR DYSPLASIA, FAMILIAL, 8; ARRHYTHMOGENIC RIGHT VENTRICULAR CARDIOMYOPATHY 8; Arrhythmogenic Right Ventricular Dysplasia/Cardiomyopathy 8. Identifiers: MedGen C1843896, MONDO:0011831, OMIM 607450.

Submission:

deCODE genetics, Amgen
Classification: Likely pathogenic for Arrhythmogenic right ventricular dysplasia 8. Last evaluated: 2023-07-21. Review status: no assertion criteria provided. Collection method: research. Allele origin: germline. Affected: yes. Observed: 1 variant allele.
Comment: The variant NM_004415.4:c.4404_4410del (chr6:7580593) in DSP was detected in 1 heterozygote out of 58K WGS Icelanders (MAF= 0,001%). This variant has not been reported in ClinVar previously. Based on ACMG criteria (PVS1, PM2) this variant classifies as likely pathogenic.